The following is an entry in ClinVar:

ClinVar aggregate classification (germline): Pathogenic (1 of 4 stars; one submission).

Submission:

Mayo Clinic Laboratories, Mayo Clinic
Classification: Pathogenic. Last evaluated: 2024-03-13. Review status: criteria provided, single submitter. Criteria: ACMG Guidelines, 2015. Collection method: clinical testing. Allele origin: germline. Observed: 1 variant allele.
Comment: PP4, PM2, PVS1

NM_001114753.3(ENG):c.1101dup (p.Met368fs)

Gene: ENG (endoglin; minus strand). Cytogenetic location: 9q34.11.
Variant type: Duplication.
Coding change: c.1101dup on transcript NM_001114753.3 (MANE Select); coding-DNA position 1101, one base duplicated (C; older notation c.1101dupC).
Protein change: p.Met368fs; shifts the reading frame from methionine 368.
Molecular consequence: frameshift variant.
Genome position (GRCh38, 1-based): chr9:127,824,337, G duplicated on the plus strand (C on the coding strand, the reverse complement: ENG is on the minus strand); the first of 2 consecutive G bases (chr9:127,824,337-127,824,338); duplicating either gives the same sequence. VCF-style (leftmost placement, unchanged base first): chr9-127824336-T-TG. GRCh37 (hg19) VCF-style: chr9-130586615-T-TG.
Other names: p.Met368Hisfs*28; c.1101dup, p.Met368fs (NM_000118.4, NM_001406715.1); c.555dup, p.Met186fs (NM_001278138.2); c.1101dup (NM_001114753.2); short protein forms M186fs, M368fs.
Identifiers: ClinVar variation 3381055 (VCV003381055.1).